The following is an entry in ClinVar:

NM_007294.4(BRCA1):c.2472T>C (p.Asn824=)

Gene: BRCA1 (BRCA1 DNA repair associated; minus strand). Cytogenetic location: 17q21.31.
Variant type: single nucleotide variant.
Coding change: c.2472T>C on transcript NM_007294.4 (MANE Select); coding-DNA position 2472, T replaced by C.
Protein change: p.Asn824=; no amino-acid change (asparagine 824 retained).
Molecular consequence: synonymous variant. On other transcripts: intron variant (137).
Genome position (GRCh38, 1-based): chr17:43,093,059, A>G on the plus strand (T>C on the coding strand, the complement: BRCA1 is on the minus strand). VCF-style: chr17-43093059-A-G. GRCh37 (hg19) VCF-style: chr17-41245076-A-G.
Other names: c.787+1685T>C (NM_001407970.1, NM_001407980.1, NM_001407993.1 and 17 more transcripts); c.2259T>C, p.Asn753= (NM_001407571.1, NM_001407853.1, NM_001407894.1 and 9 more transcripts); c.2472T>C, p.Asn824= (NM_001407581.1, NM_001407582.1, NM_001407583.1 and 30 more transcripts); c.2469T>C, p.Asn823= (NM_001407587.1, NM_001407590.1, NM_001407591.1 and 22 more transcripts); c.2463T>C, p.Asn821= (NM_001407646.1, NM_001407647.1); c.2349T>C, p.Asn783= (NM_001407648.1, NM_001407664.1, NM_001407665.1 and 19 more transcripts); c.2346T>C, p.Asn782= (NM_001407649.1, NM_001407670.1, NM_001407671.1 and 11 more transcripts); c.2394T>C, p.Asn798= (NM_001407653.1, NM_001407654.1, NM_001407655.1 and 4 more transcripts); and 41 more.
Identifiers: ClinVar variation 184349 (VCV000184349.43), dbSNP rs786201415, ClinGen allele CA001641.
Genomic context (GRCh38, chr17:43,093,059, plus strand): 5'-GCTTGTTTCCCGACTGTGGTTAACTTCATGTCCCAATGGATACTTAAAGCCTTCTGTGTC[A>G]TTTCTATTATCTTTGGAACAACCATGAATTAGTCCCTTGGGGTTTTCAAATGCTGCACAC-3'
Protein context (NP_009225.1, residues 814-834): LIHGCSKDNR[Asn824=]DTEGFKYPLG

ClinVar aggregate classification (germline): Likely benign. Review status: reviewed by expert panel (3 of 4 stars). 7 submissions from 7 submitters: Likely benign (1). 6 of the submissions do not count toward it. Last evaluated 2017-06-29.

Conditions:
Hereditary cancer-predisposing syndrome. Also called: Tumor predisposition; Neoplastic Syndromes, Hereditary; Hereditary Cancer Syndrome; Hereditary neoplastic syndrome. Identifiers: Orphanet 140162, MedGen C0027672, MeSH D009386, MONDO:0015356.
Hereditary breast ovarian cancer syndrome. Also called: Hereditary breast and ovarian cancer; Hereditary breast and ovarian cancer syndrome (HBOC); Breast and ovarian cancer; Hereditary breast and/or ovarian cancer syndrome; BRCA1- and BRCA2-Associated Hereditary Breast and Ovarian Cancer; Hereditary breast and ovarian cancer syndrome. Identifiers: Orphanet 145, MedGen C0677776, MeSH D061325, MONDO:0003582. Disease mechanism: loss of function.
Breast-ovarian cancer, familial, susceptibility to, 1 (BROVCA1). Also called: OVARIAN CANCER, SUSCEPTIBILITY TO; BRCA1 Hereditary Breast and Ovarian Cancer. Identifiers: Orphanet 145, MedGen C2676676, MONDO:0011450, OMIM 604370. Disease mechanism: loss of function.

Submissions (7):

Evidence-based Network for the Interpretation of Germline Mutant Alleles (ENIGMA)
Classification: Likely benign for Breast-ovarian cancer, familial, susceptibility to, 1. Last evaluated: 2017-06-29. Review status: reviewed by expert panel. Criteria: ENIGMA BRCA1/2 Classification Criteria (2017-06-29). Collection method: curation. Allele origin: germline.
Comment: Synonymous substitution variant, with low bioinformatic likelihood to result in a splicing aberration (Splicing prior probability 0.02).

Labcorp Genetics (formerly Invitae), Labcorp
Classification: Likely benign for Hereditary breast ovarian cancer syndrome. Last evaluated: 2025-11-05. Review status: criteria provided, single submitter. Criteria: Invitae Variant Classification Sherloc (09022015). Collection method: clinical testing. Allele origin: germline. Not counted in ClinVar's aggregate classification.

Ambry Genetics
Classification: Likely benign for Hereditary cancer-predisposing syndrome. Last evaluated: 2024-10-15. Review status: criteria provided, single submitter. Criteria: Ambry Variant Classification Scheme 2023. Collection method: clinical testing. Allele origin: germline. Not counted in ClinVar's aggregate classification.

CeGaT Center for Human Genetics Tuebingen
Classification: Likely benign. Last evaluated: 2023-12-01. Review status: criteria provided, single submitter. Criteria: CeGaT Center For Human Genetics Tuebingen Variant Classification Criteria Version 2. Collection method: clinical testing. Allele origin: germline. Affected: yes. Observed: 1 variant allele. Not counted in ClinVar's aggregate classification.
Comment: BRCA1: PM2:Supporting, BP4, BP7

All of Us Research Program, National Institutes of Health
Classification: Likely benign for Breast-ovarian cancer, familial, susceptibility to, 1. Last evaluated: 2023-08-08. Review status: criteria provided, single submitter. Criteria: ACMG Guidelines, 2015. Collection method: clinical testing. Allele origin: germline. Inheritance: Autosomal dominant inheritance. Observed: 1 variant allele, 1 heterozygote. Not counted in ClinVar's aggregate classification.
Comment: This study involves interpretation of variants in research participants for the purpose of population health screening. Participant phenotype was not available at the time of variant classification. Additional details can be found in publication PMID: 35346344, PMCID: PMC8962531

Color Diagnostics, LLC DBA Color Health
Classification: Likely benign for Hereditary cancer-predisposing syndrome. Last evaluated: 2017-08-23. Review status: criteria provided, single submitter. Criteria: ACMG Guidelines, 2015. Collection method: clinical testing. Allele origin: germline. Not counted in ClinVar's aggregate classification.

Counsyl
Classification: Likely benign for Breast-ovarian cancer, familial, susceptibility to, 1. Last evaluated: 2016-08-18. Review status: no assertion criteria provided. Collection method: clinical testing. Allele origin: unknown. Not counted in ClinVar's aggregate classification.